The following is an entry in ClinVar:

ClinVar aggregate classification (germline): Pathogenic. Review status: reviewed by expert panel (3 of 4 stars). 8 submissions from 8 submitters: Pathogenic (1). 7 of the submissions do not count toward it. Last evaluated 2016-04-22.

Conditions:
Hereditary cancer-predisposing syndrome. Also called: Neoplastic Syndromes, Hereditary; Tumor predisposition; Hereditary Cancer Syndrome; Hereditary neoplastic syndrome. Identifiers: Orphanet 140162, MedGen C0027672, MeSH D009386, MONDO:0015356.
Hereditary breast ovarian cancer syndrome. Also called: Hereditary breast and ovarian cancer syndrome; Hereditary breast and ovarian cancer; Hereditary breast and ovarian cancer syndrome (HBOC); Breast and ovarian cancer; Hereditary breast and/or ovarian cancer syndrome; BRCA1- and BRCA2-Associated Hereditary Breast and Ovarian Cancer. Identifiers: Orphanet 145, MedGen C0677776, MeSH D061325, MONDO:0003582. Disease mechanism: loss of function.
Familial cancer of breast. Also called: BREAST CANCER, FAMILIAL; Hereditary breast cancer; hereditary breast carcinoma. Identifiers: Orphanet 227535, MedGen C0346153, MONDO:0016419, OMIM 114480. Disease mechanism: loss of function.
Breast-ovarian cancer, familial, susceptibility to, 2 (BROVCA2). Also called: BRCA2 Hereditary Breast and Ovarian Cancer. Identifiers: Orphanet 145, MedGen C2675520, MONDO:0012933, OMIM 612555. Disease mechanism: loss of function.

Submissions (8):

Evidence-based Network for the Interpretation of Germline Mutant Alleles (ENIGMA)
Classification: Pathogenic for Breast-ovarian cancer, familial, susceptibility to, 2. Last evaluated: 2016-04-22. Review status: reviewed by expert panel. Criteria: ENIGMA BRCA1/2 Classification Criteria (2015). Collection method: curation. Allele origin: germline.
Comment: Variant allele predicted to encode a truncated non-functional protein.

Ambry Genetics
Classification: Pathogenic for Hereditary cancer-predisposing syndrome. Last evaluated: 2024-11-22. Review status: criteria provided, single submitter. Criteria: Ambry Variant Classification Scheme 2023. Collection method: clinical testing. Allele origin: germline. Not counted in ClinVar's aggregate classification.
Comment: The p.L583* pathogenic mutation (also known as c.1748T>A), located in coding exon 9 of the BRCA2 gene, results from a T to A substitution at nucleotide position 1748. This changes the amino acid from a leucine to a stop codon within coding exon 9. This variant is considered to be rare based on population cohorts in the Genome Aggregation Database (gnomAD). This alteration is expected to result in loss of function by premature protein truncation or nonsense-mediated mRNA decay. As such, this alteration is interpreted as a disease-causing mutation.

Quest Diagnostics Nichols Institute San Juan Capistrano
Classification: Pathogenic. Last evaluated: 2024-08-12. Review status: criteria provided, single submitter. Criteria: Quest Diagnostics criteria. Collection method: clinical testing. Allele origin: unknown. Not counted in ClinVar's aggregate classification.
Comment: The BRCA2 c.1748T>A (p.Leu583*) variant causes the premature termination of BRCA2 protein synthesis. This variant has been reported in the published literature in multiple individuals with breast cancer (PMIDs: 33573335 (2021), 31518337 (2019)). This variant has not been reported in large, multi-ethnic general populations (Genome Aggregation Database). Based on the available information, this variant is classified as pathogenic.

Labcorp Genetics (formerly Invitae), Labcorp
Classification: Pathogenic for Hereditary breast ovarian cancer syndrome. Last evaluated: 2024-05-20. Review status: criteria provided, single submitter. Criteria: Invitae Variant Classification Sherloc (09022015). Collection method: clinical testing. Allele origin: germline. Not counted in ClinVar's aggregate classification.
Comment: This sequence change creates a premature translational stop signal (p.Leu583*) in the BRCA2 gene. It is expected to result in an absent or disrupted protein product. Loss-of-function variants in BRCA2 are known to be pathogenic (PMID: 20104584). This variant is not present in population databases (gnomAD no frequency). This premature translational stop signal has been observed in individual(s) with hereditary breast and ovarian cancer (PMID: 21702907). ClinVar contains an entry for this variant (Variation ID: 51182). For these reasons, this variant has been classified as Pathogenic.

Color Diagnostics, LLC DBA Color Health
Classification: Pathogenic for Hereditary cancer-predisposing syndrome. Last evaluated: 2023-12-21. Review status: criteria provided, single submitter. Criteria: ACMG Guidelines, 2015. Collection method: clinical testing. Allele origin: germline. Not counted in ClinVar's aggregate classification.
Comment: This variant changes 1 nucleotide in exon 10 of the BRCA2 gene, creating a premature translation stop signal. This variant is expected to result in an absent or non-functional protein product. This variant has been reported in individuals affected with breast, pancreatic and lung cancer (PMID: 30836094, 33573335, 37461096). This variant has not been identified in the general population by the Genome Aggregation Database (gnomAD). Loss of BRCA2 function is a known mechanism of disease. Based on the available evidence, this variant is classified as Pathogenic.

All of Us Research Program, National Institutes of Health
Classification: Pathogenic for Breast-ovarian cancer, familial, susceptibility to, 2. Last evaluated: 2023-10-09. Review status: criteria provided, single submitter. Criteria: ACMG Guidelines, 2015. Collection method: clinical testing. Allele origin: germline. Inheritance: Autosomal dominant inheritance. Observed: 1 variant allele, 1 heterozygote. Not counted in ClinVar's aggregate classification.
Comment: This variant is predicted to result in loss of protein function through nonsense-mediated decay or protein truncation. Loss of function is an established mechanism of disease. This variant is absent from large population databases, including the Genome Aggregation Database. A different variant that results in the same nonsense substitution (c.1748del, p.(Leu583Ter)) has been reported in association with BRCA2-related disease (ClinVar 51183, PMID:11920643, 15340362), and p.(Leu583Ter) was identified in one case of hereditary breast cancer though the nucleotide variant description was not provided (PMID: 31518337). The c.1748T>A variant has been identified as a somatic mutation in pancreatic cancer samples (PMID: 30051098, 30836094, 29045505).

This study involves interpretation of variants in research participants for the purpose of population health screening. Participant phenotype was not available at the time of variant classification. Additional details can be found in publication PMID: 35346344, PMCID: PMC8962531

Baylor Genetics
Classification: Pathogenic for Familial cancer of breast. Last evaluated: 2023-07-14. Review status: criteria provided, single submitter. Criteria: ACMG Guidelines, 2015. Collection method: clinical testing. Allele origin: unknown. Not counted in ClinVar's aggregate classification.

Consortium of Investigators of Modifiers of BRCA1/2 (CIMBA), c/o University of Cambridge
Classification: Pathogenic for Breast-ovarian cancer, familial, susceptibility to, 2. Last evaluated: 2015-10-02. Review status: criteria provided, single submitter. Criteria: CIMBA Mutation Classification guidelines May 2016. Collection method: clinical testing. Allele origin: germline. Not counted in ClinVar's aggregate classification.

Literature cited by the submitters: PubMed 21702907 (cited by Quest Diagnostics Nichols Institute San Juan Capistrano and Labcorp Genetics (formerly Invitae), Labcorp); PubMed 31518337 (cited by Quest Diagnostics Nichols Institute San Juan Capistrano and All of Us Research Program, National Institutes of Health); PubMed 30836094 (cited by 3 submitters); PubMed 30051098 (cited by Quest Diagnostics Nichols Institute San Juan Capistrano and All of Us Research Program, National Institutes of Health); PubMed 33573335 (cited by Quest Diagnostics Nichols Institute San Juan Capistrano and Color Diagnostics, LLC DBA Color Health); PubMed 20104584 (cited by Labcorp Genetics (formerly Invitae), Labcorp); PubMed 37461096 (cited by Color Diagnostics, LLC DBA Color Health); PubMed 11920643 (cited by All of Us Research Program, National Institutes of Health); PubMed 15340362 (cited by All of Us Research Program, National Institutes of Health); PubMed 29045505 (cited by All of Us Research Program, National Institutes of Health).

NM_000059.4(BRCA2):c.1748T>A (p.Leu583Ter)

Gene: BRCA2 (BRCA2 DNA repair associated; plus strand). Cytogenetic location: 13q13.1.
Variant type: single nucleotide variant.
Coding change: c.1748T>A on transcript NM_000059.4 (MANE Select); coding-DNA position 1748, T replaced by A.
Protein change: p.Leu583Ter; replaces leucine 583 with a stop codon.
Molecular consequence: nonsense.
Genome position (GRCh38, 1-based): chr13:32,333,226, T>A. VCF-style: chr13-32333226-T-A. GRCh37 (hg19) VCF-style: chr13-32907363-T-A.
Other names: 1976T>A; short protein forms L583*.
Identifiers: ClinVar variation 51182 (VCV000051182.21), dbSNP rs397507604, ClinGen allele CA013061.
Genomic context (GRCh38, chr13:32,333,226, plus strand): 5'-GGCCAGCCACCACCACACAGAATTCTGTAGCTTTGAAGAATGCAGGTTTAATATCCACTT[T>A]GAAAAAGAAAACAAATAAGTTTATTTATGCTATACATGATGAAACATCTTATAAAGGAAA-3'